The following is an entry in ClinVar:

ClinVar aggregate classification (germline): Uncertain significance (1 of 4 stars; one submission).

Allele frequency attached by ClinVar (database versions not stated): gnomAD exomes below 0.00001.
gnomAD v4.1: 1 of 1,613,980 alleles (0.000062%); highest among the groups gnomAD compares: Non-Finnish European, 0.000085%; no homozygotes.

Submission:

Labcorp Genetics (formerly Invitae), Labcorp
Classification: Uncertain significance. Last evaluated: 2025-11-11. Review status: criteria provided, single submitter. Criteria: Invitae Variant Classification Sherloc (09022015). Collection method: clinical testing. Allele origin: germline.
Comment: This sequence change replaces serine, which is neutral and polar, with leucine, which is neutral and non-polar, at codon 1201 of the POLE protein (p.Ser1201Leu). This variant is not present in population databases (gnomAD no frequency). This variant has not been reported in the literature in individuals affected with POLE-related conditions. ClinVar contains an entry for this variant (Variation ID: 838628). An algorithm developed to predict the effect of missense changes on protein structure and function outputs the following: PolyPhen-2: "Benign". The leucine amino acid residue is found in multiple mammalian species, which suggests that this missense change does not adversely affect protein function. In summary, the available evidence is currently insufficient to determine the role of this variant in disease. Therefore, it has been classified as a Variant of Uncertain Significance.

NM_006231.4(POLE):c.3602C>T (p.Ser1201Leu)

Gene: POLE (DNA polymerase epsilon, catalytic subunit; minus strand). Cytogenetic location: 12q24.33.
Variant type: single nucleotide variant.
Coding change: c.3602C>T on transcript NM_006231.4 (MANE Select); coding-DNA position 3602, C replaced by T.
Protein change: p.Ser1201Leu; replaces serine 1201 with leucine.
Molecular consequence: missense variant.
Genome position (GRCh38, 1-based): chr12:132,649,870, G>A on the plus strand (C>T on the coding strand, the complement: POLE is on the minus strand). VCF-style: chr12-132649870-G-A. GRCh37 (hg19) VCF-style: chr12-133226456-G-A.
Other names: short protein forms S1201L.
Identifiers: ClinVar variation 838628 (VCV000838628.9), dbSNP rs2042384196, ClinGen allele CA387387021.